The following is an entry in ClinVar:

ClinVar aggregate classification (germline): Pathogenic/Likely pathogenic. Review status: criteria provided, multiple submitters, no conflicts (2 of 4 stars). 5 submissions from 5 submitters: Pathogenic (2); Likely pathogenic (1). 2 of the submissions do not count toward it. Last evaluated 2026-02-13.

Conditions:
Congenital generalized lipodystrophy type 1 (CGL1). Also called: BRUNZELL SYNDROME, AGPAT2-RELATED; Berardinelli-Seip Congenital Lipodystrophy Type 1. Identifiers: Orphanet 528, Orphanet 696189, MedGen C1720862, MONDO:0012071, OMIM 608594.

Allele frequency attached by ClinVar (database versions not stated): gnomAD exomes below 0.00001; TOPMed 0.00001; gnomAD 0.00001.
gnomAD v4.1: 3 of 1,613,232 alleles (0.00019%); highest among the groups gnomAD compares: Admixed American, 0.0033%; no homozygotes.

Submissions (7):

OLLIN Analises Genomicas, OLLIN
Classification: Pathogenic for Congenital generalized lipodystrophy type 1. Last evaluated: 2026-02-13. Review status: criteria provided, single submitter. Criteria: ACMG Guidelines 2015 PMID 25741868. Collection method: clinical testing. Allele origin: germline. Observed: 1 variant allele.
Comment: PVS1, PS1_P, PM2_P, PM3_S, PP1

Dasa
Classification: Likely pathogenic for Congenital generalized lipodystrophy type 1. Last evaluated: 2022-02-05. Review status: criteria provided, single submitter. Criteria: ACMG Guidelines, 2015. Collection method: clinical testing. Allele origin: germline. Affected: yes. Observed: 1 variant allele.
Comment: The c.493-1G>C variant is located in a canonical splice-site, and it is not predicted the protein reading frame alteration, however, occur in a critical region and the variant disrupts <10% of protein - PVS1_moderate. This sequence change has been observed in affected individual(s) and ClinVar contains an entry for this variant (ClinVar ID: 6630; PMID: 24498038, 15181077) - PS4_supporting. The variant is present at low allele frequencies population databases (rs606231168 – gnomAD 0.00006570%; ABraOM no frequency) - PM2_supporting. The c.493-1G>C was detected in trans with a pathogenic variant (PMID: 24498038) - PM3. In summary, the currently available evidence indicates that the variant is likely pathogenic.

Unidad de Genómica Médica UC, Pontificia Universidad Católica de Chile
Classification: Pathogenic for Congenital generalized lipodystrophy type 1. Last evaluated: 2013-03-04. Review status: criteria provided, single submitter. Criteria: CortÃ©s et al. (PLoS One. 2014). Collection method: research. Allele origin: germline. Inheritance: Autosomal recessive inheritance. Affected: yes. Observed: 2 homozygotes. Clinical features observed: Congenital generalized lipodystrophy (HP:0009059).
Comment: Congenital generalized lipodystrophy (CGL) is a rare autosomal recessive disorder characterized by extreme reduction of white adipose tissue (WAT) mass. CGL type 1 is the most frequent form and is caused by mutations in AGPAT2. Genetic and clinical studies were performed in two affected sisters of a Chilean family. These patients have notoriously dissimilar metabolic abnormalities that correlate with differential levels of circulating leptin and soluble leptin receptor fraction. Sequencing of AGPAT2 exons and exon-intron boundaries revealed two homozygous mutations in both sisters. Intronic c.493-1G>C mutation destroy a conserved splicing site that likely leads to exon 4 skipping and deletion of whole AGPAT2 substrate binding domain. In silico protein modeling provided insights of the mechanisms of lack of catalytic activity owing to both mutations.

OMIM
Classification: Pathogenic for LIPODYSTROPHY, CONGENITAL GENERALIZED, TYPE 1. Last evaluated: 2004-06-01. Review status: no assertion criteria provided. Collection method: literature only. Allele origin: germline. Not counted in ClinVar's aggregate classification.

Dr. Peter K. Rogan Lab, Western University
No classification provided (evidence only). Condition: Thyroid cancer, nonmedullary, 1. Review status: no classification provided. Collection method: in vitro. Allele origin: not applicable. Functional consequence: retained intron. Not counted in ClinVar's aggregate classification.

Dr. Peter K. Rogan Lab, Western University
No classification provided (evidence only). Condition: Thyroid cancer, nonmedullary, 1. Review status: no classification provided. Collection method: in vitro. Allele origin: not applicable. Functional consequence: skipped exon. Not counted in ClinVar's aggregate classification.

GeneReviews
No classification provided. Condition: Congenital generalized lipodystrophy type 1. Review status: no classification provided. Collection method: literature only. Allele origin: germline. Affected: yes. Not counted in ClinVar's aggregate classification.

Literature cited by the submitters: PubMed 24498038 (cited by Dasa); PubMed 15181077 (cited by Dasa and OMIM); NCBI Bookshelf NBK1212 (cited by GeneReviews).

NM_006412.4(AGPAT2):c.493-1G>C

Gene: AGPAT2 (1-acylglycerol-3-phosphate O-acyltransferase 2; minus strand). Cytogenetic location: 9q34.3.
Variant type: single nucleotide variant.
Coding change: c.493-1G>C on transcript NM_006412.4 (MANE Select); the canonical splice acceptor site of the intron before coding-DNA position 493, G replaced by C.
Molecular consequence: splice acceptor variant. On other transcripts: intron variant (1).
Genome position (GRCh38, 1-based): chr9:136,676,681, C>G on the plus strand (G>C on the coding strand, the complement: AGPAT2 is on the minus strand). VCF-style: chr9-136676681-C-G. GRCh37 (hg19) VCF-style: chr9-139571133-C-G.
Other names: IVS3, A-G, -1; c.492+280G>C (NM_001012727.2).
Identifiers: ClinVar variation 6630 (VCV000006630.10), dbSNP rs606231168, ClinGen allele CA277951.